The following is an entry in ClinVar:

NM_007294.4(BRCA1):c.547+4A>C

Gene: BRCA1 (BRCA1 DNA repair associated; minus strand). Cytogenetic location: 17q21.31.
Variant type: single nucleotide variant.
Coding change: c.547+4A>C on transcript NM_007294.4 (MANE Select); 4 bases into the intron after coding-DNA position 547, A replaced by C.
Molecular consequence: intron variant.
Genome position (GRCh38, 1-based): chr17:43,099,771, T>G on the plus strand (A>C on the coding strand, the complement: BRCA1 is on the minus strand). VCF-style: chr17-43099771-T-G. GRCh37 (hg19) VCF-style: chr17-41251788-T-G.
Other names: c.337+4A>C (NM_001407948.1, NM_001408484.1, NM_001408478.1 and 37 more transcripts); c.544+4A>C (NM_001408450.1, NM_001408434.1, NM_001407672.1 and 65 more transcripts); c.547+4A>C (NM_001408440.1, NM_001408428.1, NM_001407678.1 and 96 more transcripts); c.334+4A>C (NM_001407917.1, NM_001407956.1, NM_001407897.1 and 18 more transcripts); c.403+4A>C (NM_001408462.1, NM_001407838.1, NM_001407934.1 and 35 more transcripts); c.469+4A>C (NM_001408414.1, NM_001408411.1, NM_001407655.1 and 12 more transcripts); c.406+4A>C (NM_001407724.1, NM_001407734.1, NM_001407697.1 and 61 more transcripts); c.538+4A>C (NM_001407646.1, NM_001408408.1, NM_001407647.1); and 5 more.
Identifiers: ClinVar variation 421097 (VCV000421097.4), dbSNP rs1064794908, ClinGen allele CA16620445.

ClinVar aggregate classification (germline): Uncertain significance. Review status: criteria provided, multiple submitters, no conflicts (2 of 4 stars). 2 submissions from 2 submitters: Uncertain significance (2). Last evaluated 2025-01-28.

Submissions (2):

Quest Diagnostics Nichols Institute San Juan Capistrano
Classification: Uncertain significance. Last evaluated: 2025-01-28. Review status: criteria provided, single submitter. Criteria: Quest Diagnostics criteria. Collection method: clinical testing. Allele origin: unknown.
Comment: The BRCA1 c.547+4A>C variant has not been reported in individuals with BRCA1-related conditions in the published literature. It also has not been reported in large, multi-ethnic general populations (Genome Aggregation Database). Analysis of this variant using software algorithms for the prediction of the effect of nucleotide changes on splicing yielded predictions that this variant may affect proper BRCA1 mRNA splicing. Based on the available information, we are unable to determine the clinical significance of this variant.

GeneDx
Classification: Uncertain significance. Last evaluated: 2017-01-30. Review status: criteria provided, single submitter. Criteria: GeneDx Variant Classification (06012015). Collection method: clinical testing. Allele origin: germline. Affected: yes.
Comment: This variant is denoted BRCA1 c.547+4A>C or IVS7+4A>C and consists of an A>C nucleotide substitution at the +4 position of intron 7 of the BRCA1 gene. Using alternate nomenclature, this variant would be defined as BRCA1 666+4A>C. Multiple in silico models predict this variant to destroy or damage the nearby natural splice donor site and to possibly cause abnormal gene splicing. However, in the absence of RNA or functional studies, the actual effect of this variant is unknown. This variant has not, to our knowledge, been published in the literature as pathogenic or benign. BRCA1 c.547+4A>C was not observed in approximately 6,500 individuals of European and African American ancestry in the NHLBI Exome Sequencing Project, suggesting it is not a common benign variant in these populations. The adenine (A) nucleotide that is altered is conserved in mammals. Based on currently available evidence, it is unclear whether BRCA1 c.547+4A>C is a pathogenic or benign variant. We consider it to be a variant of uncertain significance.